The following is an entry in ClinVar:

NM_001127178.3(PIGG):c.1711G>A (p.Val571Met)

Gene: PIGG (phosphatidylinositol glycan anchor biosynthesis class G (EMM blood group); plus strand). Cytogenetic location: 4p16.3.
Variant type: single nucleotide variant.
Coding change: c.1711G>A on transcript NM_001127178.3 (MANE Select); coding-DNA position 1711, G replaced by A.
Protein change: p.Val571Met; replaces valine 571 with methionine.
Molecular consequence: missense variant. On other transcripts: non-coding transcript variant (7).
Genome position (GRCh38, 1-based): chr4:523,555, G>A. VCF-style: chr4-523555-G-A. GRCh37 (hg19) VCF-style: chr4-517344-G-A.
Other names: c.1444G>A, p.Val482Met (NM_001289051.2, NM_001345986.2); c.1312G>A, p.Val438Met (NM_001289052.2); c.1420G>A, p.Val474Met (NM_001345987.2); c.682G>A, p.Val228Met (NM_001345988.2); c.178G>A, p.Val60Met (NM_001345990.2, NM_001345991.2); c.613G>A, p.Val205Met (NM_001345994.2); c.1687G>A, p.Val563Met (NM_017733.5); short protein forms V228M, V571M, V60M, V438M, V474M, V482M, V205M, V563M.
Identifiers: ClinVar variation 953672 (VCV000953672.9), dbSNP rs770091281, ClinGen allele CA2793439.

ClinVar aggregate classification (germline): Uncertain significance. Review status: criteria provided, multiple submitters, no conflicts (2 of 4 stars). 2 submissions from 2 submitters: Uncertain significance (2). Last evaluated 2024-10-22.

Conditions:
Intellectual disability, autosomal recessive 53 (NEDHSCA). Also called: NEURODEVELOPMENTAL DISORDER WITH OR WITHOUT HYPOTONIA, SEIZURES, AND CEREBELLAR ATROPHY; GLYCOSYLPHOSPHATIDYLINOSITOL BIOSYNTHESIS DEFECT 13; Mental retardation, autosomal recessive 53. Identifiers: Orphanet 488635, MedGen C4310794, MONDO:0014832, OMIM 616917.

Allele frequency attached by ClinVar (database versions not stated): TOPMed 0.00002.
gnomAD v4.1: 53 of 1,614,050 alleles (0.0033%); highest among the groups gnomAD compares: South Asian, 0.011%; no homozygotes.

Submissions (2):

Labcorp Genetics (formerly Invitae), Labcorp
Classification: Uncertain significance for Intellectual disability, autosomal recessive 53. Last evaluated: 2024-10-22. Review status: criteria provided, single submitter. Criteria: Invitae Variant Classification Sherloc (09022015). Collection method: clinical testing. Allele origin: germline.
Comment: This sequence change replaces valine, which is neutral and non-polar, with methionine, which is neutral and non-polar, at codon 571 of the PIGG protein (p.Val571Met). This variant is present in population databases (rs770091281, gnomAD 0.01%). This variant has not been reported in the literature in individuals affected with PIGG-related conditions. ClinVar contains an entry for this variant (Variation ID: 953672). Invitae Evidence Modeling of protein sequence and biophysical properties (such as structural, functional, and spatial information, amino acid conservation, physicochemical variation, residue mobility, and thermodynamic stability) indicates that this missense variant is expected to disrupt PIGG protein function with a positive predictive value of 80%. In summary, the available evidence is currently insufficient to determine the role of this variant in disease. Therefore, it has been classified as a Variant of Uncertain Significance.

GeneDx
Classification: Uncertain significance. Last evaluated: 2024-05-28. Review status: criteria provided, single submitter. Criteria: GeneDx Variant Classification Process June 2021. Collection method: clinical testing. Allele origin: germline. Affected: yes.
Comment: Not observed at significant frequency in large population cohorts (gnomAD); In silico analysis indicates that this missense variant does not alter protein structure/function; Has not been previously published as pathogenic or benign to our knowledge